The following is an entry in ClinVar:

ClinVar aggregate classification (germline): Benign (0 of 4 stars; one submission).

Conditions:
FDFT1-related disorder. Also called: FDFT1-related condition.

Allele frequency attached by ClinVar (database versions not stated): gnomAD exomes 0.00082; gnomAD 0.00106; TOPMed 0.00156; ExAC 0.00208; 1000 Genomes Project 30x 0.00390; 1000 Genomes Project 0.00459.
gnomAD v4.1: 1,360 of 1,612,006 alleles (0.084%); highest among the groups gnomAD compares: East Asian, 2.6%; 23 homozygotes.

Submission:

PreventionGenetics, part of Exact Sciences
Classification: Benign for FDFT1-related condition. Last evaluated: 2019-08-09. Review status: no assertion criteria provided. Collection method: clinical testing. Allele origin: germline.
Comment: This variant is classified as benign based on ACMG/AMP sequence variant interpretation guidelines (Richards et al. 2015 PMID: 25741868, with internal and published modifications).

NM_004462.5(FDFT1):c.1251C>G (p.His417Gln)

Gene: FDFT1 (farnesyl-diphosphate farnesyltransferase 1). Cytogenetic location: 8p23.1.
Variant type: single nucleotide variant.
Coding change: c.1251C>G on transcript NM_004462.5 (MANE Select); coding-DNA position 1251, C replaced by G.
Protein change: p.His417Gln; replaces histidine 417 with glutamine.
Molecular consequence: missense variant.
Genome position (GRCh38, 1-based): chr8:11,838,606, C>G. VCF-style: chr8-11838606-C-G. GRCh37 (hg19) VCF-style: chr8-11696115-C-G.
Other names: c.1251C>G, p.His417Gln (NM_001287742.2, NM_001287743.2); c.1059C>G, p.His353Gln (NM_001287744.2, NM_001287745.2, NM_001287747.2 and 2 more transcripts); c.1428C>G, p.His476Gln (NM_001287750.2); c.996C>G, p.His332Gln (NM_001287751.2); c.750C>G, p.His250Gln (NM_001287756.2); short protein forms H250Q, H332Q, H353Q, H417Q, H476Q.
Identifiers: ClinVar variation 3044732 (VCV003044732.2), dbSNP rs80310078, ClinGen allele CA4632262.